The following is an entry in ClinVar:

ClinVar aggregate classification (germline): Uncertain significance (1 of 4 stars; one submission).

Conditions:
Cardiovascular phenotype. Identifiers: MedGen CN230736.

gnomAD v4.1: 1 of 1,604,638 alleles (0.000062%); highest among the groups gnomAD compares: Non-Finnish European, 0.000085%; no homozygotes.

Submission:

Ambry Genetics
Classification: Uncertain significance for Cardiovascular phenotype. Last evaluated: 2024-12-09. Review status: criteria provided, single submitter. Criteria: Ambry Variant Classification Scheme 2023. Collection method: clinical testing. Allele origin: germline.
Comment: The p.L506F variant (also known as c.1516C>T), located in coding exon 7 of the SHOC2 gene, results from a C to T substitution at nucleotide position 1516. The leucine at codon 506 is replaced by phenylalanine, an amino acid with highly similar properties. This amino acid position is conserved. In addition, the in silico prediction for this alteration is inconclusive. Based on the available evidence, the clinical significance of this variant remains unclear.

NM_007373.4(SHOC2):c.1516C>T (p.Leu506Phe)

Gene: SHOC2 (SHOC2 leucine rich repeat scaffold protein; plus strand). Cytogenetic location: 10q25.2.
Variant type: single nucleotide variant.
Coding change: c.1516C>T on transcript NM_007373.4 (MANE Select); coding-DNA position 1516, C replaced by T.
Protein change: p.Leu506Phe; replaces leucine 506 with phenylalanine.
Molecular consequence: missense variant. On other transcripts: non-coding transcript variant (1).
Genome position (GRCh38, 1-based): chr10:111,009,806, C>T. VCF-style: chr10-111009806-C-T. GRCh37 (hg19) VCF-style: chr10-112769564-C-T.
Other names: c.1378C>T, p.Leu460Phe (NM_001269039.3); c.1516C>T, p.Leu506Phe (NM_001324336.2, NM_001324337.2); short protein forms L460F, L506F.
Identifiers: ClinVar variation 3441544 (VCV003441544.1).